The following is an entry in ClinVar:

NM_007294.4(BRCA1):c.-20+475C>T

Genes: BRCA1 (BRCA1 DNA repair associated; minus strand), LOC111589215 (BRCA1 promoter region; plus strand). Cytogenetic location: 17q21.31.
Variant type: single nucleotide variant.
Coding change: c.-20+475C>T on transcript NM_007294.4 (MANE Select); 475 bases into the intron after 20 bases upstream of the start codon, C replaced by T.
Molecular consequence: intron variant.
Genome position (GRCh38, 1-based): chr17:43,124,796, G>A on the plus strand (C>T on the coding strand, the complement: BRCA1 is on the minus strand). VCF-style: chr17-43124796-G-A. GRCh37 (hg19) VCF-style: chr17-41276813-G-A.
Other names: c.-107+481C>T (NM_007297.4); c.-20+481C>T (NM_007299.4); c.-20+475C>T (NM_007300.4).
Identifiers: ClinVar variation 1692959 (VCV001692959.1), dbSNP rs1240487852, ClinGen allele CA2573154051.

ClinVar aggregate classification (germline): Uncertain significance (1 of 4 stars; one submission).

Conditions:
Hereditary cancer-predisposing syndrome. Also called: Hereditary neoplastic syndrome; Tumor predisposition; Neoplastic Syndromes, Hereditary; Hereditary Cancer Syndrome. Identifiers: Orphanet 140162, MedGen C0027672, MeSH D009386, MONDO:0015356.

Submission:

Sema4
Classification: Uncertain significance for Hereditary cancer-predisposing syndrome. Last evaluated: 2021-11-02. Review status: criteria provided, single submitter. Criteria: Sema4 Curation Guidelines. Collection method: curation. Allele origin: germline.
Comment: The BRCA1 c.-20+475C>T variant has not been reported in the literature to our knowledge. It was not observed in the large and broad cohorts of the Genome Aggregation Database (PMID: 32461654). The variant has not been reported in ClinVar. In silico tools suggest that the variant does not have an impact on splicing, though these predictions have not been confirmed by functional studies. The evidence is insufficient to meet ACMG/AMP criteria for classifying the variant as benign or pathogenic. Thus, the clinical significance of this variant is currently uncertain.